The following is an entry in ClinVar:

ClinVar aggregate classification (germline): Conflicting classifications of pathogenicity. Review status: criteria provided, conflicting classifications (1 of 4 stars). 2 submissions from 2 submitters: Uncertain significance (1); Likely benign (1). Last evaluated 2023-03-23.

Conditions:
Hereditary cancer-predisposing syndrome. Also called: Hereditary neoplastic syndrome; Neoplastic Syndromes, Hereditary; Hereditary Cancer Syndrome; Tumor predisposition. Identifiers: Orphanet 140162, MedGen C0027672, MeSH D009386, MONDO:0015356.
Hereditary breast ovarian cancer syndrome. Also called: BRCA1- and BRCA2-Associated Hereditary Breast and Ovarian Cancer; Hereditary breast and ovarian cancer syndrome (HBOC); Hereditary breast and/or ovarian cancer syndrome; Hereditary breast and ovarian cancer syndrome; Hereditary breast and ovarian cancer; Breast and ovarian cancer. Identifiers: Orphanet 145, MedGen C0677776, MeSH D061325, MONDO:0003582. Disease mechanism: loss of function.

Submissions (2):

University of Washington Department of Laboratory Medicine, University of Washington
Classification: Likely benign for Hereditary cancer-predisposing syndrome. Last evaluated: 2023-03-23. Review status: criteria provided, single submitter. Criteria: Dines et al. (Genet Med. 2020). Collection method: curation. Allele origin: germline.
Comment: Missense variant in a coldspot region where missense variants are very unlikely to be pathogenic (PMID:31911673).

BRCA2 exon 11 coldspot. Reclassification based on statistical prior probability.

Labcorp Genetics (formerly Invitae), Labcorp
Classification: Uncertain significance for Hereditary breast ovarian cancer syndrome. Last evaluated: 2022-09-24. Review status: criteria provided, single submitter. Criteria: Invitae Variant Classification Sherloc (09022015). Collection method: clinical testing. Allele origin: germline.
Comment: In summary, the available evidence is currently insufficient to determine the role of this variant in disease. Therefore, it has been classified as a Variant of Uncertain Significance. Advanced modeling of protein sequence and biophysical properties (such as structural, functional, and spatial information, amino acid conservation, physicochemical variation, residue mobility, and thermodynamic stability) performed at Invitae indicates that this missense variant is not expected to disrupt BRCA2 protein function. This variant has not been reported in the literature in individuals affected with BRCA2-related conditions. This variant is not present in population databases (gnomAD no frequency). This sequence change replaces lysine, which is basic and polar, with asparagine, which is neutral and polar, at codon 1919 of the BRCA2 protein (p.Lys1919Asn).

NM_000059.4(BRCA2):c.5757G>C (p.Lys1919Asn)

Gene: BRCA2 (BRCA2 DNA repair associated; plus strand). Cytogenetic location: 13q13.1.
Variant type: single nucleotide variant.
Coding change: c.5757G>C on transcript NM_000059.4 (MANE Select); coding-DNA position 5757, G replaced by C.
Protein change: p.Lys1919Asn; replaces lysine 1919 with asparagine.
Molecular consequence: missense variant.
Genome position (GRCh38, 1-based): chr13:32,340,112, G>C. VCF-style: chr13-32340112-G-C. GRCh37 (hg19) VCF-style: chr13-32914249-G-C.
Other names: c.5757G>C, p.Lys1919Asn (NM_001406719.1, NM_001406720.1); short protein forms K1919N.
Identifiers: ClinVar variation 1720263 (VCV001720263.7), dbSNP rs1566233164, ClinGen allele CA387787051.
Genomic context (GRCh38, chr13:32,340,112, plus strand): 5'-TTCAGAGGATATTCTTCATAACTCTCTAGATAATGATGAATGTAGCACGCATTCACATAA[G>C]GTTTTTGCTGACATTCAGAGTGAAGAAATTTTACAACATAACCAAAATATGTCTGGATTG-3'
Protein context (NP_000050.3, residues 1909-1929): DNDECSTHSH[Lys1919Asn]VFADIQSEEI